The following is an entry in ClinVar:

ClinVar aggregate classification (germline): Pathogenic (1 of 4 stars; one submission).

Conditions:
Pyruvate carboxylase deficiency. Also called: ATAXIA WITH LACTIC ACIDOSIS II; LEIGH NECROTIZING ENCEPHALOPATHY DUE TO PYRUVATE CARBOXYLASE DEFICIENCY; LEIGH SYNDROME DUE TO PYRUVATE CARBOXYLASE DEFICIENCY; PC DEFICIENCY; Pyruvate Carboxylase Deficiency Disease. Identifiers: Orphanet 3008, MedGen C0034341, MONDO:0009949, OMIM 266150.

Submission:

Myriad Genetics, Inc.
Classification: Pathogenic for Pyruvate carboxylase deficiency. Last evaluated: 2023-09-27. Review status: criteria provided, single submitter. Criteria: Myriad Autosomal Dominant, Autosomal Recessive and X-Linked Classification Criteria (2023). Collection method: clinical testing. Allele origin: unknown.
Comment: NM_000920.3(PC):c.276dupC(V93Rfs*31) is expected to be pathogenic in the context of pyruvate carboxylase deficiency. This variant is predicted to lead to an abnormal or absent protein product due to the creation of a premature termination codon in PC, a gene where loss-of-function variants are known to be pathogenic. Please note: this variant was assessed in the context of healthy population screening.

NM_001040716.2(PC):c.276dup (p.Val93fs)

Gene: PC (pyruvate carboxylase; minus strand). Cytogenetic location: 11q13.2.
Variant type: Duplication.
Coding change: c.276dup on transcript NM_001040716.2 (MANE Select); coding-DNA position 276, one base duplicated (C; older notation c.276dupC).
Protein change: p.Val93fs; shifts the reading frame from valine 93.
Molecular consequence: frameshift variant.
Genome position (GRCh38, 1-based): chr11:66,871,732, G duplicated on the plus strand (C on the coding strand, the reverse complement: PC is on the minus strand); the first of 5 consecutive G bases (chr11:66,871,732-66,871,736); duplicating any one gives the same sequence. VCF-style (leftmost placement, unchanged base first): chr11-66871731-C-CG. GRCh37 (hg19) VCF-style: chr11-66639202-C-CG.
Other names: c.276dup, p.Val93fs (NM_000920.4, NM_001439352.1, NM_001439353.1 and 5 more transcripts); short protein forms V93fs.
Identifiers: ClinVar variation 5011990 (VCV005011990.1).